The following is an entry in ClinVar:

NM_201384.3(PLEC):c.2540G>A (p.Ser847Asn)

Gene: PLEC (plectin; minus strand). Cytogenetic location: 8q24.3.
Variant type: single nucleotide variant.
Coding change: c.2540G>A on transcript NM_201384.3 (MANE Select); coding-DNA position 2540, G replaced by A.
Protein change: p.Ser847Asn; replaces serine 847 with asparagine.
Molecular consequence: missense variant.
Genome position (GRCh38, 1-based): chr8:143,930,216, C>T on the plus strand (G>A on the coding strand, the complement: PLEC is on the minus strand). VCF-style: chr8-143930216-C-T. GRCh37 (hg19) VCF-style: chr8-145004384-C-T.
Other names: c.2621G>A, p.Ser874Asn (NM_000445.5); c.2498G>A, p.Ser833Asn (NM_201378.4); c.2474G>A, p.Ser825Asn (NM_201379.3); c.2951G>A, p.Ser984Asn (NM_201380.4); c.2444G>A, p.Ser815Asn (NM_201381.3); c.2540G>A, p.Ser847Asn (NM_201382.4); c.2552G>A, p.Ser851Asn (NM_201383.3); short protein forms S874N, S825N, S851N, S815N, S833N, S847N, S984N.
Identifiers: ClinVar variation 538927 (VCV000538927.7), dbSNP rs782716612, ClinGen allele CA4927484.

ClinVar aggregate classification (germline): Uncertain significance. Review status: criteria provided, multiple submitters, no conflicts (2 of 4 stars). 2 submissions from 2 submitters: Uncertain significance (2). Last evaluated 2025-11-24.

Conditions:
PLEC-related disorder. Also called: PLEC-related disorders; PLEC-related condition.
Epidermolysis bullosa simplex, Ogna type (EBS5A). Also called: Pidermolysis bullosa simplex 5A, Ogna type; EPIDERMOLYSIS BULLOSA SIMPLEX 5A, OGNA TYPE. Identifiers: Orphanet 79401, MedGen C0432317, MONDO:0007555, OMIM 131950.
Epidermolysis bullosa simplex 5B, with muscular dystrophy (EBS5B). Also called: Epidermolysis bullosa simplex with muscular dystrophy; EPIDERMOLYSIS BULLOSA SIMPLEX AND LIMB-GIRDLE MUSCULAR DYSTROPHY. Identifiers: Orphanet 257, MedGen C2931072, MONDO:0009181, OMIM 226670.
Epidermolysis bullosa simplex with nail dystrophy (EBS5D). Identifiers: MedGen C4225309, MONDO:0014661, OMIM 616487.
Autosomal recessive limb-girdle muscular dystrophy type 2Q (LGMDR17). Also called: MUSCULAR DYSTROPHY, LIMB-GIRDLE, AUTOSOMAL RECESSIVE 17. Identifiers: Orphanet 254361, MedGen C3150989, MONDO:0013390, OMIM 613723.
Epidermolysis bullosa simplex 5C, with pyloric atresia (EBS5C). Also called: PLEC-Related Epidermolysis Bullosa with Pyloric Atresia; Epidermolysis bullosa simplex with pyloric atresia; PLEC1-Related Epidermolysis Bullosa with Pyloric Atresia. Identifiers: Orphanet 158684, MedGen C2677349, MONDO:0012807, OMIM 612138.

Allele frequency attached by ClinVar (database versions not stated): gnomAD exomes 0.00001 and 0.00008; TOPMed 0.00001; ExAC 0.00011.
gnomAD v4.1: 19 of 1,584,550 alleles (0.0012%); highest among the groups gnomAD compares: Admixed American, 0.032%; no homozygotes.

Submissions (2):

PreventionGenetics, part of Exact Sciences
Classification: Uncertain significance for PLEC-related condition. Last evaluated: 2025-11-24. Review status: criteria provided, single submitter. Criteria: ACMG Guidelines, 2015. Collection method: clinical testing. Allele origin: germline.
Comment: The PLEC c.2621G>A variant is predicted to result in the amino acid substitution p.Ser874Asn. To our knowledge, this variant has not been reported in the literature. This variant is reported in 0.052% of alleles in individuals of Latino descent in gnomAD. Although we suspect that this variant may be benign, this time, the clinical significance of this variant is uncertain due to the absence of conclusive functional and genetic evidence.

Labcorp Genetics (formerly Invitae), Labcorp
Classification: Uncertain significance for Autosomal recessive limb-girdle muscular dystrophy type 2Q; Epidermolysis bullosa simplex, Ogna type; Epidermolysis bullosa simplex with nail dystrophy; Epidermolysis bullosa simplex 5C, with pyloric atresia; Epidermolysis bullosa simplex 5B, with muscular dystrophy. Last evaluated: 2024-09-28. Review status: criteria provided, single submitter. Criteria: Invitae Variant Classification Sherloc (09022015). Collection method: clinical testing. Allele origin: germline.
Comment: This sequence change replaces serine, which is neutral and polar, with asparagine, which is neutral and polar, at codon 874 of the PLEC protein (p.Ser874Asn). This variant is present in population databases (rs782716612, gnomAD 0.05%). This variant has not been reported in the literature in individuals affected with PLEC-related conditions. ClinVar contains an entry for this variant (Variation ID: 538927). Invitae Evidence Modeling of protein sequence and biophysical properties (such as structural, functional, and spatial information, amino acid conservation, physicochemical variation, residue mobility, and thermodynamic stability) indicates that this missense variant is not expected to disrupt PLEC protein function with a negative predictive value of 80%. In summary, the available evidence is currently insufficient to determine the role of this variant in disease. Therefore, it has been classified as a Variant of Uncertain Significance.